The following is an entry in ClinVar:

ClinVar aggregate classification (germline): Benign/Likely benign. Review status: criteria provided, multiple submitters, no conflicts (2 of 4 stars). 3 submissions from 3 submitters: Benign (2); Likely benign (1). Last evaluated 2024-11-27.

Submissions (3):

Blueprint Genetics
Classification: Likely benign. Last evaluated: 2024-11-27. Review status: criteria provided, single submitter. Criteria: ACMG Guidelines, 2015. Collection method: clinical testing. Allele origin: germline.

Mayo Clinic Laboratories, Mayo Clinic
Classification: Benign. Last evaluated: 2023-03-17. Review status: criteria provided, single submitter. Criteria: ACMG Guidelines, 2015. Collection method: clinical testing. Allele origin: germline. Observed: 7 variant alleles.
Comment: BS1, BS2

GeneDx
Classification: Benign. Last evaluated: 2019-01-18. Review status: criteria provided, single submitter. Criteria: GeneDx Variant Classification Process June 2021. Collection method: clinical testing. Allele origin: germline. Affected: yes.

NM_005045.4(RELN):c.-24GGC[14] (p.Met1_Glu2insGlyGlyGlyGlyGlyGly)

Gene: RELN (reelin; minus strand). Cytogenetic location: 7q22.1.
Variant type: Microsatellite.
Coding change: c.-24GGC[14] on transcript NM_005045.4 (MANE Select); 14 copies in a row of the 3-base unit GGC starting at c.-24; the reference has eight copies in a row; six copies, 18 bases duplicated.
Protein change: p.Met1_Glu2insGlyGlyGlyGlyGlyGly.
Molecular consequence: inframe insertion.
Genome position (GRCh38, 1-based): chr7:103,989,357-103,989,374, GCCGCCGCCGCCGCCGCC duplicated on the plus strand (GGCGGCGGCGGCGGCGGC on the coding strand, the reverse complement: RELN is on the minus strand); duplicating any 18 consecutive bases within chr7:103,989,357-103,989,382 gives the same sequence; the position shown is the placement nearest the transcript's 3' end. VCF-style (leftmost placement, unchanged base first): chr7-103989356-T-TGCCGCCGCCGCCGCCGCC. GRCh37 (hg19) VCF-style: chr7-103629803-T-TGCCGCCGCCGCCGCCGCC.
Other names: c.-18_-1dup (NM_005045.4); c.-24GGC[14], p.Met1_Glu2insGlyGlyGlyGlyGlyGly (NM_173054.3).
Identifiers: ClinVar variation 358426 (VCV000358426.8), dbSNP rs55656324, ClinGen allele CA10624972.